The following is an entry in ClinVar:

NM_003640.5(ELP1):c.1603TCT[1] (p.Ser536del)

Gene: ELP1 (elongator acetyltransferase complex subunit 1; minus strand). Cytogenetic location: 9q31.3.
Variant type: Microsatellite.
Coding change: c.1603TCT[1] on transcript NM_003640.5 (MANE Select); one copy of the 3-base unit TCT starting at c.1603; the reference has two copies in a row; one copy, 3 bases deleted; also written c.1606_1608del.
Protein change: p.Ser536del; deletes serine 536.
Molecular consequence: inframe deletion. On other transcripts: inframe indel (2).
Genome position (GRCh38, 1-based): chr9:108,906,338-108,906,340, AGA deleted on the plus strand (TCT on the coding strand, the reverse complement: ELP1 is on the minus strand); deleting any 3 consecutive bases within chr9:108,906,338-108,906,345 gives the same sequence; the position shown is the placement nearest the transcript's 3' end. VCF-style (leftmost placement, unchanged base first): chr9-108906337-CAGA-C. GRCh37 (hg19) VCF-style: chr9-111668617-CAGA-C.
Other names: c.1606_1608delTCT (NM_003640.3); c.1261TCT[1], p.Ser422del (NM_001318360.2); c.556TCT[1], p.Ser187del (NM_001330749.2); c.1601_1603CTT[1], p.Ser536del (NM_003640.3); c.1606_1608del (NM_003640.4); short protein forms S187del, S422del, S536del.
Identifiers: ClinVar variation 1799868 (VCV001799868.8), dbSNP rs747182900, ClinGen allele CA5174970.

ClinVar aggregate classification (germline): Uncertain significance. Review status: criteria provided, multiple submitters, no conflicts (2 of 4 stars). 3 submissions from 3 submitters: Uncertain significance (2). 1 of the submissions does not count toward it. Last evaluated 2022-06-09.

Conditions:
Familial dysautonomia. Also called: FD; HSAN III. Identifiers: Orphanet 1764, MedGen C0013364, MONDO:0009131, OMIM 223900. Disease mechanism: loss of function.

Submissions (3):

Labcorp Genetics (formerly Invitae), Labcorp
Classification: Uncertain significance. Last evaluated: 2022-06-09. Review status: criteria provided, single submitter. Criteria: Invitae Variant Classification Sherloc (09022015). Collection method: clinical testing. Allele origin: germline.
Comment: In summary, the available evidence is currently insufficient to determine the role of this variant in disease. Therefore, it has been classified as a Variant of Uncertain Significance. Experimental studies and prediction algorithms are not available or were not evaluated, and the functional significance of this variant is currently unknown. This variant has not been reported in the literature in individuals affected with ELP1-related conditions. This variant is present in population databases (rs747182900, gnomAD 0.0009%). This variant, c.1606_1608del, results in the deletion of 1 amino acid(s) of the ELP1 protein (p.Ser536del), but otherwise preserves the integrity of the reading frame.

Ambry Genetics
Classification: Uncertain significance. Last evaluated: 2021-09-01. Review status: criteria provided, single submitter. Criteria: Ambry Variant Classification Scheme 2023. Collection method: clinical testing. Allele origin: germline.
Comment: The c.1606_1608delTCT variant (also known as p.S536del) is located in coding exon 13 of the IKBKAP gene. This variant results from an in-frame TCT deletion at nucleotide positions 1606 to 1608. This results in the in-frame deletion of a serine at codon 536. This amino acid position is well conserved in available vertebrate species. In addition, this alteration is predicted to be neutral by in silico analysis (Choi Y et al. PLoS ONE. 2012; 7(10):e46688). Since supporting evidence is limited at this time, the clinical significance of this alteration remains unclear.

Natera, Inc.
Classification: Uncertain significance for Familial dysautonomia. Last evaluated: 2025-03-31. Review status: no assertion criteria provided. Collection method: clinical testing. Allele origin: germline. Not counted in ClinVar's aggregate classification.